The following is an entry in ClinVar:

NM_015662.3(IFT172):c.4912C>T (p.Pro1638Ser)

Genes: KRTCAP3 (keratinocyte associated protein 3; plus strand), IFT172 (intraflagellar transport 172; minus strand). Cytogenetic location: 2p23.3.
Variant type: single nucleotide variant.
Coding change: c.4912C>T on transcript NM_015662.3 (MANE Select); coding-DNA position 4912, C replaced by T.
Protein change: p.Pro1638Ser; replaces proline 1638 with serine.
Molecular consequence: missense variant. On other transcripts: intron variant (1).
Genome position (GRCh38, 1-based): chr2:27,445,747, G>A on the plus strand (C>T on the coding strand, the complement: IFT172 is on the minus strand). VCF-style: chr2-27445747-G-A. GRCh37 (hg19) VCF-style: chr2-27668614-G-A.
Other names: c.4846C>T, p.Pro1616Ser (NM_001410739.1); c.*6-554G>A (NM_001168364.2); short protein forms P1616S, P1638S.
Identifiers: ClinVar variation 1960029 (VCV001960029.5), dbSNP rs866404849, ClinGen allele CA44516058.

ClinVar aggregate classification (germline): Uncertain significance (1 of 4 stars; one submission).

Conditions:
Short-rib thoracic dysplasia 10 with or without polydactyly (SRTD10). Identifiers: Orphanet 474, MedGen C3810175, MONDO:0014284, OMIM 615630.
Retinitis pigmentosa 71 (RP71). Identifiers: Orphanet 791, MedGen C4225342, MONDO:0014618, OMIM 616394.

Allele frequency attached by ClinVar (database versions not stated): gnomAD exomes 0.00001.
gnomAD v4.1: 12 of 1,614,148 alleles (0.00074%); highest among the groups gnomAD compares: Middle Eastern, 0.2%; no homozygotes.

Submission:

Labcorp Genetics (formerly Invitae), Labcorp
Classification: Uncertain significance for Retinitis pigmentosa 71; Short-rib thoracic dysplasia 10 with or without polydactyly. Last evaluated: 2021-12-29. Review status: criteria provided, single submitter. Criteria: Invitae Variant Classification Sherloc (09022015). Collection method: clinical testing. Allele origin: germline.
Comment: This sequence change replaces proline, which is neutral and non-polar, with serine, which is neutral and polar, at codon 1638 of the IFT172 protein (p.Pro1638Ser). This variant is present in population databases (no rsID available, gnomAD no frequency). This variant has not been reported in the literature in individuals affected with IFT172-related conditions. Algorithms developed to predict the effect of missense changes on protein structure and function (SIFT, PolyPhen-2, Align-GVGD) all suggest that this variant is likely to be tolerated. In summary, the available evidence is currently insufficient to determine the role of this variant in disease. Therefore, it has been classified as a Variant of Uncertain Significance.